The following is an entry in ClinVar:

ClinVar aggregate classification (germline): Uncertain significance (1 of 4 stars; one submission).

Allele frequency attached by ClinVar (database versions not stated): TOPMed 0.00002; gnomAD 0.00003; 1000 Genomes Project 30x 0.00016.
gnomAD v4.1: 32 of 1,613,708 alleles (0.002%); highest among the groups gnomAD compares: Middle Eastern, 0.066%; no homozygotes.

Submission:

Labcorp Genetics (formerly Invitae), Labcorp
Classification: Uncertain significance. Last evaluated: 2022-06-29. Review status: criteria provided, single submitter. Criteria: Invitae Variant Classification Sherloc (09022015). Collection method: clinical testing. Allele origin: germline.
Comment: This sequence change replaces serine, which is neutral and polar, with asparagine, which is neutral and polar, at codon 55 of the TMPRSS15 protein (p.Ser55Asn). This variant is present in population databases (rs748706392, gnomAD 0.004%). This variant has not been reported in the literature in individuals affected with TMPRSS15-related conditions. Algorithms developed to predict the effect of missense changes on protein structure and function output the following: SIFT: "Not Available"; PolyPhen-2: "Benign"; Align-GVGD: "Not Available". The asparagine amino acid residue is found in multiple mammalian species, which suggests that this missense change does not adversely affect protein function. In summary, the available evidence is currently insufficient to determine the role of this variant in disease. Therefore, it has been classified as a Variant of Uncertain Significance.

NM_002772.3(TMPRSS15):c.164G>A (p.Ser55Asn)

Gene: TMPRSS15 (transmembrane serine protease 15; minus strand). Cytogenetic location: 21q21.1.
Variant type: single nucleotide variant.
Coding change: c.164G>A on transcript NM_002772.3 (MANE Select); coding-DNA position 164, G replaced by A.
Protein change: p.Ser55Asn; replaces serine 55 with asparagine.
Molecular consequence: missense variant.
Genome position (GRCh38, 1-based): chr21:18,398,311, C>T on the plus strand (G>A on the coding strand, the complement: TMPRSS15 is on the minus strand). VCF-style: chr21-18398311-C-T. GRCh37 (hg19) VCF-style: chr21-19770628-C-T.
Other names: short protein forms S55N.
Identifiers: ClinVar variation 2069303 (VCV002069303.1), dbSNP rs748706392, ClinGen allele CA9984840.
Genomic context (GRCh38, chr21:18,398,311, plus strand): 5'-TGCAAATTAGGATTATATGTAACTCCGGATGTTATTTTAAATGTCGCTCTGGCTTCATGA[C>T]TCTGTCCAAGTGCTGCACCTAGATAAATTAATAAGGAAAAAACACTAAGATTTTGGATTA-3'
Protein context (NP_002763.3, residues 45-65): ESQRGAALGQ[Ser55Asn]HEARATFKIT